The following is an entry in ClinVar:

NM_198271.5(LMOD3):c.1372C>T (p.Gln458Ter)

Gene: LMOD3 (leiomodin 3; minus strand). Cytogenetic location: 3p14.1.
Variant type: single nucleotide variant.
Coding change: c.1372C>T on transcript NM_198271.5 (MANE Select); coding-DNA position 1372, C replaced by T.
Protein change: p.Gln458Ter; replaces glutamine 458 with a stop codon.
Molecular consequence: nonsense.
Genome position (GRCh38, 1-based): chr3:69,118,983, G>A on the plus strand (C>T on the coding strand, the complement: LMOD3 is on the minus strand). VCF-style: chr3-69118983-G-A. GRCh37 (hg19) VCF-style: chr3-69168134-G-A.
Other names: c.1372C>T, p.Gln458Ter (NM_001304418.3); short protein forms Q458*.
Identifiers: ClinVar variation 3720520 (VCV003720520.2).

ClinVar aggregate classification (germline): Pathogenic (1 of 4 stars; one submission).

Conditions:
Nemaline myopathy 10 (NEM10). Identifiers: MedGen C4015360, MONDO:0014513, OMIM 616165.

Submission:

Labcorp Genetics (formerly Invitae), Labcorp
Classification: Pathogenic for Nemaline myopathy 10. Last evaluated: 2024-08-01. Review status: criteria provided, single submitter. Criteria: Invitae Variant Classification Sherloc (09022015). Collection method: clinical testing. Allele origin: germline.
Comment: This sequence change creates a premature translational stop signal (p.Gln458*) in the LMOD3 gene. It is expected to result in an absent or disrupted protein product. Loss-of-function variants in LMOD3 are known to be pathogenic (PMID: 25250574). This variant is not present in population databases (gnomAD no frequency). This premature translational stop signal has been observed in individual(s) with nemaline myopathy (PMID: 25250574). For these reasons, this variant has been classified as Pathogenic.

Literature cited by the submitters: PubMed 25250574.